The following is an entry in ClinVar:

ClinVar aggregate classification (germline): Pathogenic. Review status: criteria provided, multiple submitters, no conflicts (2 of 4 stars). 2 submissions from 2 submitters: Pathogenic (2). Last evaluated 2026-03-23.

Conditions:
Multiple endocrine neoplasia type 4. Also called: MULTIPLE ENDOCRINE NEOPLASIA, TYPE IV. Identifiers: Orphanet 276152, MedGen C1970712, MONDO:0012552, OMIM 610755.
Hereditary cancer-predisposing syndrome. Also called: Tumor predisposition; Hereditary Cancer Syndrome; Hereditary neoplastic syndrome; Neoplastic Syndromes, Hereditary. Identifiers: Orphanet 140162, MedGen C0027672, MeSH D009386, MONDO:0015356.

Submissions (2):

Ambry Genetics
Classification: Pathogenic for Hereditary cancer-predisposing syndrome. Last evaluated: 2026-03-23. Review status: criteria provided, single submitter. Criteria: Ambry Variant Classification Scheme 2023. Collection method: clinical testing. Allele origin: germline.
Comment: The c.375dupT pathogenic mutation, located in coding exon 1 of the CDKN1B gene, results from a duplication of T at nucleotide position 375, causing a translational frameshift with a predicted alternate stop codon (p.E126*). This variant is considered to be rare based on population cohorts in the Genome Aggregation Database (gnomAD). This alteration is expected to result in loss of function by premature protein truncation or nonsense-mediated mRNA decay. As such, this alteration is interpreted as a disease-causing mutation.

Labcorp Genetics (formerly Invitae), Labcorp
Classification: Pathogenic for Multiple endocrine neoplasia type 4. Last evaluated: 2023-02-13. Review status: criteria provided, single submitter. Criteria: Invitae Variant Classification Sherloc (09022015). Collection method: clinical testing. Allele origin: germline.
Comment: For these reasons, this variant has been classified as Pathogenic. This variant has not been reported in the literature in individuals affected with CDKN1B-related conditions. This variant is not present in population databases (gnomAD no frequency). This sequence change creates a premature translational stop signal (p.Glu126*) in the CDKN1B gene. It is expected to result in an absent or disrupted protein product. Loss-of-function variants in CDKN1B are known to be pathogenic (PMID: 17030811, 24819502).

Literature cited by the submitters: PubMed 17030811 (cited by Labcorp Genetics (formerly Invitae), Labcorp); PubMed 24819502 (cited by Labcorp Genetics (formerly Invitae), Labcorp).

NM_004064.5(CDKN1B):c.375dup (p.Glu126Ter)

Gene: CDKN1B (cyclin dependent kinase inhibitor 1B; plus strand). Cytogenetic location: 12p13.1.
Variant type: Duplication.
Coding change: c.375dup on transcript NM_004064.5 (MANE Select); coding-DNA position 375, one base duplicated (T; older notation c.375dupT).
Protein change: p.Glu126Ter; replaces glutamic acid 126 with a stop codon.
Molecular consequence: nonsense.
Genome position (GRCh38, 1-based): chr12:12,718,214, T duplicated. VCF-style (leftmost placement, unchanged base first): chr12-12718213-C-CT. GRCh37 (hg19) VCF-style: chr12-12871147-C-CT.
Other names: c.375dupT (NM_004064.3); short protein forms E126*.
Identifiers: ClinVar variation 2419784 (VCV002419784.7), dbSNP rs1946497104, ClinGen allele CA944840573.